The following is an entry in ClinVar:

ClinVar aggregate classification (germline): Uncertain significance. Review status: criteria provided, multiple submitters, no conflicts (2 of 4 stars). 2 submissions from 2 submitters: Uncertain significance (2). Last evaluated 2025-03-03.

Conditions:
Autosomal recessive limb-girdle muscular dystrophy type 2J (LGMDR10). Also called: MUSCULAR DYSTROPHY, LIMB-GIRDLE, AUTOSOMAL RECESSIVE 10; Limb-girdle muscular dystrophy, type 2J. Identifiers: Orphanet 140922, MedGen C1837342, MONDO:0012127, OMIM 608807.
Dilated cardiomyopathy 1G (CMD1G). Identifiers: Orphanet 154, MedGen C1858763, MONDO:0011400, OMIM 604145.

Allele frequency attached by ClinVar (database versions not stated): gnomAD exomes below 0.00001.
gnomAD v4.1: 4 of 1,613,862 alleles (0.00025%); highest among the groups gnomAD compares: South Asian, 0.0011%; no homozygotes.

Submissions (2):

Labcorp Genetics (formerly Invitae), Labcorp
Classification: Uncertain significance for Dilated cardiomyopathy 1G; Autosomal recessive limb-girdle muscular dystrophy type 2J. Last evaluated: 2025-03-03. Review status: criteria provided, single submitter. Criteria: Invitae Variant Classification Sherloc (09022015). Collection method: clinical testing. Allele origin: germline.
Comment: This sequence change replaces glycine, which is neutral and non-polar, with glutamic acid, which is acidic and polar, at codon 33695 of the TTN protein (p.Gly33695Glu). This variant is not present in population databases (gnomAD no frequency). This variant has not been reported in the literature in individuals affected with TTN-related conditions. ClinVar contains an entry for this variant (Variation ID: 501743). Experimental studies and prediction algorithms are not available or were not evaluated, and the functional significance of this variant is currently unknown. This variant is located in the M band of TTN (PMID: 25589632). Non-truncating variants in this region may be relevant for neuromuscular disorders, but have not been definitively shown to cause cardiomyopathy (PMID: 23975875). In summary, the available evidence is currently insufficient to determine the role of this variant in disease. Therefore, it has been classified as a Variant of Uncertain Significance.

Eurofins Ntd Llc (ga)
Classification: Uncertain significance. Last evaluated: 2017-05-05. Review status: criteria provided, single submitter. Criteria: EGL Classification Definitions 2015. Collection method: clinical testing. Allele origin: germline. Observed: 1 variant allele, 1 heterozygote.

Literature cited by the submitters: PubMed 25589632 (cited by Labcorp Genetics (formerly Invitae), Labcorp); PubMed 23975875 (cited by Labcorp Genetics (formerly Invitae), Labcorp).

NM_001267550.2(TTN):c.101084G>A (p.Gly33695Glu)

Genes: TTN (titin; minus strand), TTN-AS1 (TTN antisense RNA 1; plus strand). Cytogenetic location: 2q31.2.
Variant type: single nucleotide variant.
Coding change: c.101084G>A on transcript NM_001267550.2 (MANE Select); coding-DNA position 101084, G replaced by A.
Protein change: p.Gly33695Glu; replaces glycine 33695 with glutamic acid.
Molecular consequence: missense variant.
Genome position (GRCh38, 1-based): chr2:178,535,531, C>T on the plus strand (G>A on the coding strand, the complement: TTN is on the minus strand). VCF-style: chr2-178535531-C-T. GRCh37 (hg19) VCF-style: chr2-179400258-C-T.
Other names: c.96161G>A, p.Gly32054Glu (NM_001256850.1); c.73889G>A, p.Gly24630Glu (NM_003319.4); c.93380G>A, p.Gly31127Glu (NM_133378.4); c.74264G>A, p.Gly24755Glu (NM_133432.3); c.74465G>A, p.Gly24822Glu (NM_133437.4); short protein forms G31127E, G33695E, G32054E, G24630E, G24755E, G24822E.
Identifiers: ClinVar variation 501743 (VCV000501743.9), dbSNP rs1553499879, ClinGen allele CA349421783.
Genomic context (GRCh38, chr2:178,535,531, plus strand): 5'-GAGGCTGGCTCAGTCCATGTTAAGTTGACAGAATCTCGTGAGACATCACTAACTTTGACT[C>T]CTCTGGGTGGGTCAGGAACATCAGCCACATCCAGTTCAACTGTCTTCTGATCAATTCCAA-3'
Protein context (NP_001254479.2, residues 33685-33705): DVADVPDPPR[Gly33695Glu]VKVSDVSRDS